The following is an entry in ClinVar:

NM_000059.4(BRCA2):c.-39-14_-39-6del

Gene: BRCA2 (BRCA2 DNA repair associated; plus strand). Cytogenetic location: 13q13.1.
Variant type: Deletion.
Coding change: c.-39-14_-39-6del on transcript NM_000059.4 (MANE Select); 14 bases into the intron before 39 bases upstream of the start codon through 6 bases into the intron before 39 bases upstream of the start codon, 9 bases deleted (CTTCTGTTT; older notation c.-39-14_-39-6delCTTCTGTTT).
Molecular consequence: intron variant.
Genome position (GRCh38, 1-based): chr13:32,316,408-32,316,416, CTTCTGTTT deleted; deleting any 9 consecutive bases within chr13:32,316,407-32,316,416 gives the same sequence; the c. name uses the placement nearest the transcript's 3' end. VCF-style (leftmost placement, unchanged base first): chr13-32316406-GTCTTCTGTT-G. GRCh37 (hg19) VCF-style: chr13-32890543-GTCTTCTGTT-G.
Identifiers: ClinVar variation 2104590 (VCV002104590.4), dbSNP rs2548509556, ClinGen allele CA2580086921.

ClinVar aggregate classification (germline): Uncertain significance (1 of 4 stars; one submission).

Conditions:
Hereditary breast ovarian cancer syndrome. Also called: Hereditary breast and ovarian cancer; Hereditary breast and ovarian cancer syndrome; Breast and ovarian cancer; BRCA1- and BRCA2-Associated Hereditary Breast and Ovarian Cancer; Hereditary breast and/or ovarian cancer syndrome; Hereditary breast and ovarian cancer syndrome (HBOC). Identifiers: Orphanet 145, MedGen C0677776, MeSH D061325, MONDO:0003582. Disease mechanism: loss of function.

Submission:

Labcorp Genetics (formerly Invitae), Labcorp
Classification: Uncertain significance for Hereditary breast ovarian cancer syndrome. Last evaluated: 2022-02-28. Review status: criteria provided, single submitter. Criteria: Invitae Variant Classification Sherloc (09022015). Collection method: clinical testing. Allele origin: germline.
Comment: This sequence change falls in intron 1 of the BRCA2 gene. It does not directly change the encoded amino acid sequence of the BRCA2 protein. RNA analysis indicates that this variant induces altered splicing and is likely to result in the loss of the initiator methionine. In summary, the available evidence is currently insufficient to determine the role of this variant in disease. Therefore, it has been classified as a Variant of Uncertain Significance. Studies have shown that this variant results in skipping of exon 2, and is expected to result in the loss of the initiator methionine (Invitae). This variant has not been reported in the literature in individuals affected with BRCA2-related conditions. This variant is not present in population databases (gnomAD no frequency).